The following is an entry in ClinVar:

NM_004924.6(ACTN4):c.880C>T (p.Leu294=)

Gene: ACTN4 (actinin alpha 4; plus strand). Cytogenetic location: 19q13.2.
Variant type: single nucleotide variant.
Coding change: c.880C>T on transcript NM_004924.6 (MANE Select); coding-DNA position 880, C replaced by T.
Protein change: p.Leu294=; no amino-acid change (leucine 294 retained).
Molecular consequence: synonymous variant.
Genome position (GRCh38, 1-based): chr19:38,714,529, C>T. VCF-style: chr19-38714529-C-T. GRCh37 (hg19) VCF-style: chr19-39205169-C-T.
Other names: c.880C>T, p.Leu294= (NM_001322033.2, NM_001411143.1).
Identifiers: ClinVar variation 3029633 (VCV003029633.2), dbSNP rs2515245898, ClinGen allele CA507247685.

ClinVar aggregate classification (germline): Likely benign (0 of 4 stars; one submission).

Conditions:
ACTN4-related disorder. Also called: ACTN4-related condition.

Submission:

PreventionGenetics, part of Exact Sciences
Classification: Likely benign for ACTN4-related condition. Last evaluated: 2021-08-24. Review status: no assertion criteria provided. Collection method: clinical testing. Allele origin: germline.
Comment: This variant is classified as likely benign based on ACMG/AMP sequence variant interpretation guidelines (Richards et al. 2015 PMID: 25741868, with internal and published modifications).